The following is an entry in ClinVar:

NM_019892.6(INPP5E):c.1402C>T (p.Arg468Cys)

Gene: INPP5E (inositol polyphosphate-5-phosphatase E; minus strand). Cytogenetic location: 9q34.3.
Variant type: single nucleotide variant.
Coding change: c.1402C>T on transcript NM_019892.6 (MANE Select); coding-DNA position 1402, C replaced by T.
Protein change: p.Arg468Cys; replaces arginine 468 with cysteine.
Molecular consequence: missense variant.
Genome position (GRCh38, 1-based): chr9:136,431,971, G>A on the plus strand (C>T on the coding strand, the complement: INPP5E is on the minus strand). VCF-style: chr9-136431971-G-A. GRCh37 (hg19) VCF-style: chr9-139326423-G-A.
Other names: c.1399C>T, p.Arg467Cys (NM_001318502.2); c.1402C>T (NM_019892.5); short protein forms R467C, R468C.
Identifiers: ClinVar variation 866269 (VCV000866269.21), dbSNP rs375909217, ClinGen allele CA5336803.

ClinVar aggregate classification (germline): Conflicting classifications of pathogenicity. Review status: criteria provided, conflicting classifications (1 of 4 stars). 7 submissions from 7 submitters: Pathogenic (2); Likely pathogenic (2); Uncertain significance (2). 1 of the submissions does not count toward it. Last evaluated 2026-08-22.

Conditions:
INPP5E-related disorder. Also called: INPP5E-related condition.
Joubert syndrome 1 (JBTS1). Also called: Cerebellooculorenal syndrome 1; CEREBELLOPARENCHYMAL DISORDER IV. Identifiers: MedGen C4551568, MONDO:0008944, OMIM 213300.
MORM syndrome (MORMS). Identifiers: Orphanet 75858, MedGen C1857802, MONDO:0012423, OMIM 610156.
Joubert syndrome. Also called: JOUBERT-BOLTSHAUSER SYNDROME; Familial aplasia of the vermis. Identifiers: Orphanet 475, MedGen C5979921, MONDO:0018772.
Rod-cone dystrophy. Identifiers: MedGen C4551714, HP:0000510.

Allele frequency attached by ClinVar (database versions not stated): gnomAD exomes 0.00001 and 0.00003; ExAC 0.00002; gnomAD 0.00002; TOPMed 0.00002; ESP Exome Variant Server 0.00008.

Submissions (7):

GeneDx
Classification: Likely pathogenic. Last evaluated: 2026-08-22. Review status: criteria provided, single submitter. Criteria: GeneDx Variant Classification Process June 2021. Collection method: clinical testing. Allele origin: germline.
Comment: Observed with a likely pathogenic variant in siblings with juvenile-onset rod cone degeneration in published literature, but it is not known whether the variants occurred on the same (in cis) or on different (in trans) chromosomes (PMID: 34188062); Not observed at significant frequency in large population cohorts (gnomAD); In silico analysis supports that this missense variant has a deleterious effect on protein structure/function; This variant is associated with the following publications: (PMID: 34906470, 34188062, 38219857, 23386033)

Labcorp Genetics (formerly Invitae), Labcorp
Classification: Pathogenic for Joubert syndrome. Last evaluated: 2026-01-05. Review status: criteria provided, single submitter. Criteria: Invitae Variant Classification Sherloc (09022015). Collection method: clinical testing. Allele origin: germline.
Comment: This sequence change replaces arginine, which is basic and polar, with cysteine, which is neutral and slightly polar, at codon 468 of the INPP5E protein (p.Arg468Cys). This variant is present in population databases (rs375909217, gnomAD 0.006%). This missense change has been observed in individuals with INPP5E-related conditions (PMID: 34188062, 34906470; internal data). ClinVar contains an entry for this variant (Variation ID: 866269). Invitae Evidence Modeling of protein sequence and biophysical properties (such as structural, functional, and spatial information, amino acid conservation, physicochemical variation, residue mobility, and thermodynamic stability) indicates that this missense variant is expected to disrupt INPP5E protein function with a positive predictive value of 95%. For these reasons, this variant has been classified as Pathogenic.

Blueprint Genetics
Classification: Pathogenic for INPP5E-related disorders. Last evaluated: 2024-02-28. Review status: criteria provided, single submitter. Criteria: ACMG Guidelines, 2015. Collection method: clinical testing. Allele origin: germline. Affected: yes. Observed: 5 variant alleles.

Fulgent Genetics
Classification: Likely pathogenic for Joubert syndrome 1; MORM syndrome. Last evaluated: 2024-01-24. Review status: criteria provided, single submitter. Criteria: ACMG Guidelines, 2015. Collection method: clinical testing. Allele origin: germline.

Ocular Genomics Institute, Massachusetts Eye and Ear
Classification: Uncertain significance for Rod-cone dystrophy. Last evaluated: 2021-04-08. Review status: criteria provided, single submitter. Criteria: ACMG Guidelines, 2015. Collection method: research. Allele origin: germline. Affected: yes.
Comment: Through a review of available evidence we were able to apply the following criteria: PM2. Based on this evidence we have classified this variant as Variant of Uncertain Significance.

Centre for Mendelian Genomics, University Medical Centre Ljubljana
Classification: Uncertain significance for Joubert syndrome 1. Last evaluated: 2020-04-01. Review status: criteria provided, single submitter. Criteria: ACMG Guidelines, 2015. Collection method: clinical testing. Allele origin: unknown. Affected: yes.
Comment: This variant was classified as: Uncertain significance. The available evidence on this variant's pathogenicity is insufficient or conflicting. The following ACMG criteria were applied in classifying this variant: PM2,PP3.

PreventionGenetics, part of Exact Sciences
Classification: Uncertain significance for INPP5E-related condition. Last evaluated: 2024-03-15. Review status: no assertion criteria provided. Collection method: clinical testing. Allele origin: germline. Not counted in ClinVar's aggregate classification.
Comment: The INPP5E c.1402C>T variant is predicted to result in the amino acid substitution p.Arg468Cys. This variant was reported in an individual with retinal degeneration (Sangermano et al. 2021. PubMed ID: 34188062, supplementary data). This variant is reported in 0.0058% of alleles in individuals of Latino descent in gnomAD. At this time, the clinical significance of this variant is uncertain due to the absence of conclusive functional and genetic evidence.

Literature cited by the submitters: PubMed 34188062 (cited by Labcorp Genetics (formerly Invitae), Labcorp); PubMed 34906470 (cited by Labcorp Genetics (formerly Invitae), Labcorp).